The following is an entry in ClinVar:

NM_001267550.2(TTN):c.97121C>T (p.Thr32374Ile)

Genes: TTN (titin; minus strand), TTN-AS1 (TTN antisense RNA 1; plus strand). Cytogenetic location: 2q31.2.
Variant type: single nucleotide variant.
Coding change: c.97121C>T on transcript NM_001267550.2 (MANE Select); coding-DNA position 97121, C replaced by T.
Protein change: p.Thr32374Ile; replaces threonine 32374 with isoleucine.
Molecular consequence: missense variant.
Genome position (GRCh38, 1-based): chr2:178,542,733, G>A on the plus strand (C>T on the coding strand, the complement: TTN is on the minus strand). VCF-style: chr2-178542733-G-A. GRCh37 (hg19) VCF-style: chr2-179407460-G-A.
Other names: c.92198C>T, p.Thr30733Ile (NM_001256850.1); c.69926C>T, p.Thr23309Ile (NM_003319.4); c.89417C>T, p.Thr29806Ile (NM_133378.4); c.70301C>T, p.Thr23434Ile (NM_133432.3); c.70502C>T, p.Thr23501Ile (NM_133437.4); short protein forms T23309I, T23434I, T23501I, T29806I, T30733I, T32374I.
Identifiers: ClinVar variation 3629907 (VCV003629907.1).

ClinVar aggregate classification (germline): Uncertain significance (1 of 4 stars; one submission).

Submission:

Women's Health and Genetics/Laboratory Corporation of America, LabCorp
Classification: Uncertain significance. Last evaluated: 2024-11-25. Review status: criteria provided, single submitter. Criteria: LabCorp Variant Classification Summary - May 2015. Collection method: clinical testing. Allele origin: germline.
Comment: Variant summary: TTN c.89417C>T (p.Thr29806Ile) results in a non-conservative amino acid change in the encoded protein sequence. Two of three in-silico tools predict a damaging effect of the variant on protein function. The variant was absent in 248742 control chromosomes. The available data on variant occurrences in the general population are insufficient to allow any conclusion about variant significance. To our knowledge, no occurrence of c.89417C>T in individuals affected with TTN-related conditions and no experimental evidence demonstrating its impact on protein function have been reported. No submitters have cited clinical-significance assessments for this variant to ClinVar. Based on the evidence outlined above, the variant was classified as uncertain significance.